The following is an entry in ClinVar:

NM_024675.4(PALB2):c.2996+1G>T

Gene: PALB2 (partner and localizer of BRCA2; minus strand). Cytogenetic location: 16p12.2.
Variant type: single nucleotide variant.
Coding change: c.2996+1G>T on transcript NM_024675.4 (MANE Select); the canonical splice donor site of the intron after coding-DNA position 2996, G replaced by T.
Molecular consequence: splice donor variant. On other transcripts: intron variant (1).
Genome position (GRCh38, 1-based): chr16:23,622,968, C>A on the plus strand (G>T on the coding strand, the complement: PALB2 is on the minus strand). VCF-style: chr16-23622968-C-A. GRCh37 (hg19) VCF-style: chr16-23634289-C-A.
Other names: c.2111+1G>T (NM_001407308.1, NM_001407306.1, NM_001407309.1 and 4 more transcripts); c.530+1G>T (NM_001407314.1); c.1208+1G>T (NM_001407313.1, NM_001407312.1); c.2936+1G>T (NM_001407296.1); c.2924+1G>T (NM_001407297.1); c.2834+1G>T (NM_001407302.1, NM_001407298.1); c.2834+1041G>T (NM_001407300.1); c.2996+1G>T (NM_001407299.1, NM_001407301.1); and 1 more.
Identifiers: ClinVar variation 265562 (VCV000265562.17), dbSNP rs886039626, ClinGen allele CA10588605.
Genomic context (GRCh38, chr16:23,622,968, plus strand): 5'-GAAACCTGTGATAAAATCATTCTTCATCTAATAGTTAAAAATCAATCAATGCTTTTCTTA[C>A]CCTCCATCTTCTGCAAACGTCATGACTTCTACTTGTTGATCAGAAAGGGTCCCACTGCTA-3'

ClinVar aggregate classification (germline): Likely pathogenic. Review status: criteria provided, multiple submitters, no conflicts (2 of 4 stars). 4 submissions from 4 submitters: Likely pathogenic (4). Last evaluated 2025-08-13.

Conditions:
Familial cancer of breast. Also called: hereditary breast carcinoma; BREAST CANCER, FAMILIAL; Hereditary breast cancer. Identifiers: Orphanet 227535, MedGen C0346153, MONDO:0016419, OMIM 114480. Disease mechanism: loss of function.
Hereditary cancer-predisposing syndrome. Also called: Neoplastic Syndromes, Hereditary; Hereditary neoplastic syndrome; Hereditary Cancer Syndrome; Tumor predisposition. Identifiers: Orphanet 140162, MedGen C0027672, MeSH D009386, MONDO:0015356.

Submissions (4):

Myriad Genetics, Inc.
Classification: Likely pathogenic for Familial cancer of breast. Last evaluated: 2025-08-13. Review status: criteria provided, single submitter. Criteria: Myriad Autosomal Dominant, Autosomal Recessive and X-Linked Classification Criteria (2023). Collection method: clinical testing. Allele origin: unknown.
Comment: This variant is considered likely pathogenic. This variant occurs within a consensus splice junction and is predicted to result in abnormal mRNA splicing of either an out-of-frame exon or an in-frame exon necessary for protein stability and/or normal function.

GeneDx
Classification: Likely pathogenic. Last evaluated: 2024-08-27. Review status: criteria provided, single submitter. Criteria: GeneDx Variant Classification Process June 2021. Collection method: clinical testing. Allele origin: germline. Affected: yes.
Comment: Canonical splice site variant predicted to result in a null allele in a gene for which loss of function is a known mechanism of disease; Not observed at significant frequency in large population cohorts (gnomAD); Has not been previously published as pathogenic or benign to our knowledge; This variant is associated with the following publications: (PMID: 19609323, 20871615, 24485656)

Ambry Genetics
Classification: Likely pathogenic for Hereditary cancer-predisposing syndrome. Last evaluated: 2023-07-20. Review status: criteria provided, single submitter. Criteria: Ambry Variant Classification Scheme 2023. Collection method: clinical testing. Allele origin: germline.
Comment: The c.2996+1G>T intronic variant results from a G to T substitution one nucleotide after coding exon 9 of the PALB2 gene. This nucleotide position is highly conserved in available vertebrate species. In silico splice site analysis predicts that this alteration will weaken the native splice donor site; however, direct evidence is insufficient at this time (Ambry internal data). Alterations that disrupt the canonical splice site are expected to cause aberrant splicing, resulting in an abnormal protein or a transcript that is subject to nonsense-mediated mRNA decay. As such, this alteration is classified as likely pathogenic.

Labcorp Genetics (formerly Invitae), Labcorp
Classification: Likely pathogenic for Familial cancer of breast. Last evaluated: 2022-07-03. Review status: criteria provided, single submitter. Criteria: Invitae Variant Classification Sherloc (09022015). Collection method: clinical testing. Allele origin: germline.
Comment: This sequence change affects a donor splice site in intron 9 of the PALB2 gene. It is expected to disrupt RNA splicing. Variants that disrupt the donor or acceptor splice site typically lead to a loss of protein function (PMID: 16199547), and loss-of-function variants in PALB2 are known to be pathogenic (PMID: 17200668, 17200671, 17200672, 24136930, 25099575). This variant is not present in population databases (gnomAD no frequency). This variant has not been reported in the literature in individuals affected with PALB2-related conditions. ClinVar contains an entry for this variant (Variation ID: 265562). Algorithms developed to predict the effect of sequence changes on RNA splicing suggest that this variant may disrupt the consensus splice site. In summary, the currently available evidence indicates that the variant is pathogenic, but additional data are needed to prove that conclusively. Therefore, this variant has been classified as Likely Pathogenic.

Literature cited by the submitters: PubMed 16199547 (cited by Labcorp Genetics (formerly Invitae), Labcorp); PubMed 17200668 (cited by Labcorp Genetics (formerly Invitae), Labcorp); PubMed 17200671 (cited by Labcorp Genetics (formerly Invitae), Labcorp); PubMed 17200672 (cited by Labcorp Genetics (formerly Invitae), Labcorp); PubMed 24136930 (cited by Labcorp Genetics (formerly Invitae), Labcorp); PubMed 25099575 (cited by Labcorp Genetics (formerly Invitae), Labcorp).